The following is an entry in ClinVar:

ClinVar aggregate classification (germline): Uncertain significance. Review status: criteria provided, multiple submitters, no conflicts (2 of 4 stars). 3 submissions from 3 submitters: Uncertain significance (3). Last evaluated 2023-04-13.

Conditions:
Neuronopathy, distal hereditary motor, type 5B. Also called: HMN VB; DHMN VB; NEURONOPATHY, DISTAL HEREDITARY MOTOR, HARDING TYPE VB; NEUROPATHY, DISTAL HEREDITARY MOTOR, HARDING TYPE VB; SPINAL MUSCULAR ATROPHY, DISTAL, HARDING TYPE VB. Identifiers: Orphanet 139536, MedGen C3553656, MONDO:0013884, OMIM 614751.
Hereditary spastic paraplegia 31. Also called: SPASTIC PARAPLEGIA 31, AUTOSOMAL DOMINANT. Identifiers: Orphanet 101011, MedGen C1853247, MONDO:0012453, OMIM 610250.
Spinal muscular atrophy, distal, autosomal recessive, 6 (HMNR6). Also called: NEURONOPATHY, DISTAL HEREDITARY MOTOR, AUTOSOMAL RECESSIVE 6; NEUROPATHY, DISTAL HEREDITARY MOTOR, AUTOSOMAL RECESSIVE 6. Identifiers: MedGen C5774201, MONDO:0859279, OMIM 620011.
REEP1-related disorder. Also called: REEP1-related condition.

Allele frequency attached by ClinVar (database versions not stated): gnomAD exomes 0.00001 and 0.00003; TOPMed 0.00001; ExAC 0.00002; gnomAD 0.00002.
gnomAD v4.1: 17 of 1,612,444 alleles (0.0011%); highest among the groups gnomAD compares: Non-Finnish European, 0.0014%; no homozygotes.

Submissions (3):

PreventionGenetics, part of Exact Sciences
Classification: Uncertain significance for REEP1-related condition. Last evaluated: 2023-04-13. Review status: criteria provided, single submitter. Criteria: ACMG Guidelines, 2015. Collection method: clinical testing. Allele origin: germline.
Comment: The REEP1 c.430T>G variant is predicted to result in extension of the open reading frame (p.*144Glyext*3). To our knowledge, this variant has not been reported in the literature. This variant is reported in 0.0063% of alleles in individuals of European (Non-Finnish) descent in gnomAD. At this time, the clinical significance of this variant is uncertain due to the absence of conclusive functional and genetic evidence.

Department of Pathology and Laboratory Medicine, Sinai Health System
Classification: Uncertain significance for Hereditary spastic paraplegia 31; Neuronopathy, distal hereditary motor, type 5B; Spinal muscular atrophy, distal, autosomal recessive, 6. Last evaluated: 2023-04-08. Review status: criteria provided, single submitter. Criteria: ACMG Guidelines, 2015. Collection method: research. Allele origin: germline.

CeGaT Center for Human Genetics Tuebingen
Classification: Uncertain significance. Last evaluated: 2020-07-01. Review status: criteria provided, single submitter. Criteria: CeGaT Center For Human Genetics Tuebingen Variant Classification Criteria Version 2. Collection method: clinical testing. Allele origin: germline. Affected: yes. Observed: 1 variant allele.

NM_001371279.1(REEP1):c.853T>G (p.Ter285Gly)

Gene: REEP1 (receptor accessory protein 1; minus strand). Cytogenetic location: 2p11.2.
Variant type: single nucleotide variant.
Coding change: c.853T>G on transcript NM_001371279.1 (MANE Select); coding-DNA position 853, T replaced by G.
Protein change: p.Ter285Gly.
Molecular consequence: stop lost. On other transcripts: 3 prime UTR variant (3).
Genome position (GRCh38, 1-based): chr2:86,217,041, A>C on the plus strand (T>G on the coding strand, the complement: REEP1 is on the minus strand). VCF-style: chr2-86217041-A-C. GRCh37 (hg19) VCF-style: chr2-86444164-A-C.
Other names: *285G; *144G; *163G; c.430T>G (NM_001164732.1); c.*59T>G (NM_001164730.2, NM_001164731.2, NM_022912.3); c.430T>G, p.Ter144Gly (NM_001164732.2); c.487T>G, p.Ter163Gly (NM_001371280.1).
Identifiers: ClinVar variation 932703 (VCV000932703.40), dbSNP rs778184639, ClinGen allele CA1748651.